The following is an entry in ClinVar:

NM_001377.3(DYNC2H1):c.9297T>C (p.Tyr3099=)

Gene: DYNC2H1 (dynein cytoplasmic 2 heavy chain 1; plus strand). Cytogenetic location: 11q22.3.
Variant type: single nucleotide variant.
Coding change: c.9297T>C on transcript NM_001377.3 (MANE Select); coding-DNA position 9297, T replaced by C.
Protein change: p.Tyr3099=; no amino-acid change (tyrosine 3099 retained).
Molecular consequence: synonymous variant.
Genome position (GRCh38, 1-based): chr11:103,223,030, T>C. VCF-style: chr11-103223030-T-C. GRCh37 (hg19) VCF-style: chr11-103093759-T-C.
Other names: p.Tyr3099=; c.9297T>C, p.Tyr3099= (NM_001080463.2).
Identifiers: ClinVar variation 215483 (VCV000215483.28), dbSNP rs180787556, ClinGen allele CA336633.

ClinVar aggregate classification (germline): Benign/Likely benign. Review status: criteria provided, multiple submitters, no conflicts (2 of 4 stars). 7 submissions from 7 submitters: Benign (3); Likely benign (4). Last evaluated 2026-01-28.

Conditions:
Jeune thoracic dystrophy. Also called: Jeune syndrome; Infantile thoracic dystrophy; Thoracic pelvic phalangeal dystrophy; Jeune's syndrome; Chondroectodermal dysplasia-like syndrome; Short-rib thoracic dysplasia. Identifiers: Orphanet 474, MedGen C0265275, MONDO:0018770.
Asphyxiating thoracic dystrophy 3. Also called: POLYDACTYLY WITH NEONATAL CHONDRODYSTROPHY, TYPE I; Short rib polydactyly syndrome 2B; Saldino-Noonan Syndrome; SHORT-RIB THORACIC DYSPLASIA 3 WITH OR WITHOUT POLYDACTYLY; SHORT-RIB THORACIC DYSPLASIA 3/6 WITH POLYDACTYLY, DIGENIC. Identifiers: Orphanet 474, Orphanet 93269, Orphanet 93270, Orphanet 93271, MedGen C0036069, MONDO:0013127, OMIM 613091.

Allele frequency attached by ClinVar (database versions not stated): gnomAD exomes 0.00017 and 0.00050; ExAC 0.00062; ESP Exome Variant Server 0.00192; gnomAD 0.00200 and 0.00212; TOPMed 0.00221; 1000 Genomes Project 0.00339; 1000 Genomes Project 30x 0.00344.
gnomAD v4.1: 566 of 1,613,444 alleles (0.035%); highest among the groups gnomAD compares: African/African-American, 0.67%; 1 homozygote.

Submissions (7):

Labcorp Genetics (formerly Invitae), Labcorp
Classification: Benign for Jeune thoracic dystrophy. Last evaluated: 2026-01-28. Review status: criteria provided, single submitter. Criteria: Invitae Variant Classification Sherloc (09022015). Collection method: clinical testing. Allele origin: germline.

Mayo Clinic Laboratories, Mayo Clinic
Classification: Likely benign. Last evaluated: 2025-04-21. Review status: criteria provided, single submitter. Criteria: ACMG Guidelines, 2015. Collection method: clinical testing. Allele origin: germline. Observed: 1 variant allele.
Comment: BS1, BP4, BP7

Blueprint Genetics
Classification: Likely benign. Last evaluated: 2024-08-28. Review status: criteria provided, single submitter. Criteria: ACMG Guidelines, 2015. Collection method: clinical testing. Allele origin: germline.

ARUP Laboratories, Molecular Genetics and Genomics, ARUP Laboratories
Classification: Benign for Asphyxiating thoracic dystrophy 3. Last evaluated: 2024-02-29. Review status: criteria provided, single submitter. Criteria: ARUP Molecular Germline Variant Investigation Process 2024. Collection method: clinical testing. Allele origin: germline.

GeneDx
Classification: Likely benign. Last evaluated: 2021-04-15. Review status: criteria provided, single submitter. Criteria: GeneDx Variant Classification Process June 2021. Collection method: clinical testing. Allele origin: germline. Affected: yes.

Illumina Laboratory Services, Illumina
Classification: Likely benign for Asphyxiating thoracic dystrophy 3. Last evaluated: 2018-01-13. Review status: criteria provided, single submitter. Criteria: ICSL Variant Classification Criteria 13 December 2019. Collection method: clinical testing. Allele origin: germline.
Comment: This variant was observed in the ICSL laboratory as part of a predisposition screen in an ostensibly healthy population. It had not been previously curated by ICSL or reported in the Human Gene Mutation Database (HGMD: prior to June 1st, 2018), and was therefore a candidate for classification through an automated scoring system. Utilizing variant allele frequency, disease prevalence and penetrance estimates, and inheritance mode, an automated score was calculated to assess if this variant is too frequent to cause the disease. Based on the score and internal cut-off values, a variant classified as likely benign is not then subjected to further curation. The score for this variant resulted in a classification of likely benign for this disease.

Eurofins Ntd Llc (ga)
Classification: Benign. Last evaluated: 2016-03-22. Review status: criteria provided, single submitter. Criteria: EGL Classification Definitions 2015. Collection method: clinical testing. Allele origin: germline. Observed: 1 variant allele, 1 heterozygote.